The following is an entry in ClinVar:

ClinVar aggregate classification (germline): Uncertain significance (1 of 4 stars; one submission).

Conditions:
Singleton-Merten syndrome 1 (SGMRT1). Also called: Widened medullary cavities of bone, aortic calcification, abnormal dentition, and muscular weakness; Syndrome of widened medullary cavities of the metacarpals and phalanges, aortic calcification and abnormal dentition. Identifiers: Orphanet 85191, MedGen C4225427, MONDO:0024535, OMIM 182250.
Aicardi-Goutieres syndrome 7 (AGS7). Identifiers: Orphanet 51, MedGen C3888244, MONDO:0014367, OMIM 615846.

Submission:

Labcorp Genetics (formerly Invitae), Labcorp
Classification: Uncertain significance for Aicardi-Goutieres syndrome 7; Singleton-Merten syndrome 1. Last evaluated: 2022-03-02. Review status: criteria provided, single submitter. Criteria: Invitae Variant Classification Sherloc (09022015). Collection method: clinical testing. Allele origin: germline.
Comment: In summary, the available evidence is currently insufficient to determine the role of this variant in disease. Therefore, it has been classified as a Variant of Uncertain Significance. Algorithms developed to predict the effect of missense changes on protein structure and function output the following: SIFT: "Tolerated"; PolyPhen-2: "Benign"; Align-GVGD: "Class C0". The alanine amino acid residue is found in multiple mammalian species, which suggests that this missense change does not adversely affect protein function. This variant has not been reported in the literature in individuals affected with IFIH1-related conditions. This variant is not present in population databases (gnomAD no frequency). This sequence change replaces threonine, which is neutral and polar, with alanine, which is neutral and non-polar, at codon 7 of the IFIH1 protein (p.Thr7Ala).

NM_022168.4(IFIH1):c.19A>G (p.Thr7Ala)

Gene: IFIH1 (interferon induced with helicase C domain 1; minus strand). Cytogenetic location: 2q24.2.
Variant type: single nucleotide variant.
Coding change: c.19A>G on transcript NM_022168.4 (MANE Select); coding-DNA position 19, A replaced by G.
Protein change: p.Thr7Ala; replaces threonine 7 with alanine.
Molecular consequence: missense variant.
Genome position (GRCh38, 1-based): chr2:162,318,289, T>C on the plus strand (A>G on the coding strand, the complement: IFIH1 is on the minus strand). VCF-style: chr2-162318289-T-C. GRCh37 (hg19) VCF-style: chr2-163174799-T-C.
Other names: short protein forms T7A.
Identifiers: ClinVar variation 2103812 (VCV002103812.4), dbSNP rs2105238769, ClinGen allele CA349015040.